The following is an entry in ClinVar:

ClinVar aggregate classification (germline): Uncertain significance (1 of 4 stars; one submission).

Submission:

Labcorp Genetics (formerly Invitae), Labcorp
Classification: Uncertain significance. Last evaluated: 2025-08-21. Review status: criteria provided, single submitter. Criteria: Invitae Variant Classification Sherloc (09022015). Collection method: clinical testing. Allele origin: germline.
Comment: This variant, c.502_513del, results in the deletion of 4 amino acid(s) of the TGFB1 protein (p.Val168_Tyr171del), but otherwise preserves the integrity of the reading frame. This variant is present in population databases (rs751137785, gnomAD 0.007%). This variant has not been reported in the literature in individuals affected with TGFB1-related conditions. ClinVar contains an entry for this variant (Variation ID: 2972638). Experimental studies and prediction algorithms are not available or were not evaluated, and the functional significance of this variant is currently unknown. In summary, the available evidence is currently insufficient to determine the role of this variant in disease. Therefore, it has been classified as a Variant of Uncertain Significance.

NM_000660.7(TGFB1):c.502_513del (p.Val168_Tyr171del)

Gene: TGFB1 (transforming growth factor beta 1; minus strand). Cytogenetic location: 19q13.2.
Variant type: Deletion.
Coding change: c.502_513del on transcript NM_000660.7 (MANE Select); coding-DNA positions 502 to 513, 12 bases deleted (GTGGAGCTGTAC).
Protein change: p.Val168_Tyr171del.
Molecular consequence: inframe deletion.
Genome position (GRCh38, 1-based): chr19:41,348,298-41,348,309, GTACAGCTCCAC deleted on the plus strand (GTGGAGCTGTAC on the coding strand, the reverse complement: TGFB1 is on the minus strand); deleting any 12 consecutive bases within chr19:41,348,298-41,348,311 gives the same sequence; the c. name uses the placement nearest the transcript's 3' end. VCF-style (leftmost placement, unchanged base first): chr19-41348297-GGTACAGCTCCAC-G. GRCh37 (hg19) VCF-style: chr19-41854202-GGTACAGCTCCAC-G.
Identifiers: ClinVar variation 2972638 (VCV002972638.3), dbSNP rs751137785, ClinGen allele CA9460081.